The following is an entry in ClinVar:

NM_000057.4(BLM):c.2237C>T (p.Ala746Val)

Gene: BLM (BLM RecQ like helicase; plus strand). Cytogenetic location: 15q26.1.
Variant type: single nucleotide variant.
Coding change: c.2237C>T on transcript NM_000057.4 (MANE Select); coding-DNA position 2237, C replaced by T.
Protein change: p.Ala746Val; replaces alanine 746 with valine.
Molecular consequence: missense variant.
Genome position (GRCh38, 1-based): chr15:90,766,953, C>T. VCF-style: chr15-90766953-C-T. GRCh37 (hg19) VCF-style: chr15-91310183-C-T.
Other names: c.2237C>T, p.Ala746Val (NM_001287246.2, NM_001287247.2); c.1112C>T, p.Ala371Val (NM_001287248.2); short protein forms A746V, A371V.
Identifiers: ClinVar variation 405325 (VCV000405325.45), dbSNP rs769498533, ClinGen allele CA7738702.

ClinVar aggregate classification (germline): Uncertain significance. Review status: criteria provided, multiple submitters, no conflicts (2 of 4 stars). 12 submissions from 12 submitters: Uncertain significance (11). 1 of the submissions does not count toward it. Last evaluated 2026-05-01.

Conditions:
BLM-related disorder. Also called: BLM-related condition.
Hereditary cancer-predisposing syndrome. Also called: Neoplastic Syndromes, Hereditary; Hereditary neoplastic syndrome; Tumor predisposition; Hereditary Cancer Syndrome. Identifiers: Orphanet 140162, MedGen C0027672, MeSH D009386, MONDO:0015356.
Bloom syndrome (BLM). Also called: Bloom-Torre-Machacek syndrome. Identifiers: Orphanet 125, MedGen C0005859, MONDO:0008876, OMIM 210900.

Allele frequency attached by ClinVar (database versions not stated): gnomAD exomes 0.00003 and 0.00004; ExAC 0.00004; gnomAD 0.00006; TOPMed 0.00006.
gnomAD v4.1: 54 of 1,606,150 alleles (0.0034%); highest among the groups gnomAD compares: Middle Eastern, 0.099%; no homozygotes.

Submissions (12):

CeGaT Center for Human Genetics Tuebingen
Classification: Uncertain significance. Last evaluated: 2026-05-01. Review status: criteria provided, single submitter. Criteria: CeGaT Center For Human Genetics Tuebingen Variant Classification Criteria Version 2. Collection method: clinical testing. Allele origin: germline. Affected: yes. Observed: 2 variant alleles.

PreventionGenetics, part of Exact Sciences
Classification: Uncertain significance for BLM-related condition. Last evaluated: 2025-08-15. Review status: criteria provided, single submitter. Criteria: ACMG Guidelines, 2015. Collection method: clinical testing. Allele origin: germline.
Comment: The BLM c.2237C>T variant is predicted to result in the amino acid substitution p.Ala746Val. To our knowledge, this variant has not been reported in the literature. This variant is reported in 0.0093% of alleles in individuals of European (Non-Finnish) descent in gnomAD and is interpreted as uncertain in ClinVar (Variation ID: 405325). At this time, the clinical significance of this variant is uncertain due to the absence of conclusive functional and genetic evidence.

Labcorp Genetics (formerly Invitae), Labcorp
Classification: Uncertain significance for Bloom syndrome. Last evaluated: 2025-01-23. Review status: criteria provided, single submitter. Criteria: Invitae Variant Classification Sherloc (09022015). Collection method: clinical testing. Allele origin: germline.
Comment: This sequence change replaces alanine, which is neutral and non-polar, with valine, which is neutral and non-polar, at codon 746 of the BLM protein (p.Ala746Val). This variant is present in population databases (rs769498533, gnomAD 0.009%). This variant has not been reported in the literature in individuals affected with BLM-related conditions. ClinVar contains an entry for this variant (Variation ID: 405325). Invitae Evidence Modeling of protein sequence and biophysical properties (such as structural, functional, and spatial information, amino acid conservation, physicochemical variation, residue mobility, and thermodynamic stability) indicates that this missense variant is not expected to disrupt BLM protein function with a negative predictive value of 80%. In summary, the available evidence is currently insufficient to determine the role of this variant in disease. Therefore, it has been classified as a Variant of Uncertain Significance.

GeneDx
Classification: Uncertain significance. Last evaluated: 2024-10-22. Review status: criteria provided, single submitter. Criteria: GeneDx Variant Classification Process June 2021. Collection method: clinical testing. Allele origin: germline. Affected: yes.
Comment: Not observed at significant frequency in large population cohorts (gnomAD); In silico analysis supports that this missense variant has a deleterious effect on protein structure/function; Observed in an individual with mesothelioma (PMID: 33318203); This variant is associated with the following publications: (PMID: 33816073, 33318203)

Fulgent Genetics
Classification: Uncertain significance for Bloom syndrome. Last evaluated: 2024-05-29. Review status: criteria provided, single submitter. Criteria: ACMG Guidelines, 2015. Collection method: clinical testing. Allele origin: germline.

Ambry Genetics
Classification: Uncertain significance for Hereditary cancer-predisposing syndrome. Last evaluated: 2023-07-10. Review status: criteria provided, single submitter. Criteria: Ambry Variant Classification Scheme 2023. Collection method: clinical testing. Allele origin: germline.
Comment: The p.A746V variant (also known as c.2237C>T), located in coding exon 9 of the BLM gene, results from a C to T substitution at nucleotide position 2237. The alanine at codon 746 is replaced by valine, an amino acid with similar properties. This amino acid position is highly conserved in available vertebrate species. In addition, the in silico prediction for this alteration is inconclusive. Since supporting evidence is limited at this time, the clinical significance of this alteration remains unclear.

Quest Diagnostics Nichols Institute San Juan Capistrano
Classification: Uncertain significance. Last evaluated: 2023-05-04. Review status: criteria provided, single submitter. Criteria: Quest Diagnostics criteria. Collection method: clinical testing. Allele origin: unknown.
Comment: The frequency of this variant in the general population, 0.0015 (4/2664 chromosomes in Bulgarian subpopulation), is higher than would generally be expected for pathogenic variants in this gene. In the published literature, the variant has been reported in an affected individual with pleural malignant mesothelioma (PMID: 33318203 (2020)). Analysis of this variant using bioinformatics tools for the prediction of the effect of amino acid changes on protein structure and function yielded conflicting predictions that this variant is deleterious or benign. Based on the available information, we are unable to determine the clinical significance of this variant.

Laboratorio de Genetica e Diagnostico Molecular, Hospital Israelita Albert Einstein
Classification: Uncertain significance for Bloom syndrome. Last evaluated: 2023-02-03. Review status: criteria provided, single submitter. Criteria: ACMG Guidelines, 2015. Collection method: clinical testing. Allele origin: germline. Affected: yes.
Comment: ACMG classification criteria: PM2 supporting, BP4 supporting

Sema4
Classification: Uncertain significance for Hereditary cancer-predisposing syndrome. Last evaluated: 2022-02-10. Review status: criteria provided, single submitter. Criteria: Sema4 Curation Guidelines. Collection method: curation. Allele origin: germline.
Comment: To the best of our knowledge, the BLM c.2237C>T (p.A746V) variant has not been reported in individuals with BLM-related disease. It was observed in 12/128824 chromosomes of the Non-Finnish European subpopulation, with no homozygotes, in the large and broad cohorts of the Genome Aggregation Database (PMID: 32461654). The variant has been reported in ClinVar (Variation ID 405325). Functional studies have not been performed, and in silico predictions of the variant's effect on protein function are inconclusive. The evidence is insufficient to meet ACMG/AMP criteria for classifying the variant as benign or pathogenic. Thus, the clinical significance of this variant is currently uncertain.

Department of Pathology and Laboratory Medicine, Sinai Health System
Classification: Uncertain significance for Bloom syndrome. Last evaluated: 2021-03-18. Review status: criteria provided, single submitter. Criteria: ACMG Guidelines, 2015. Collection method: research. Allele origin: germline.

Mendelics
Classification: Uncertain significance for Bloom syndrome. Last evaluated: 2018-07-02. Review status: criteria provided, single submitter. Criteria: Mendelics Assertion Criteria 2017. Collection method: clinical testing. Allele origin: unknown.

Natera, Inc.
Classification: Uncertain significance for Bloom syndrome. Last evaluated: 2018-12-17. Review status: no assertion criteria provided. Collection method: clinical testing. Allele origin: germline. Not counted in ClinVar's aggregate classification.

Literature cited by the submitters: PubMed 33318203 (cited by Quest Diagnostics Nichols Institute San Juan Capistrano).